The following is an entry in ClinVar:

NM_144772.3(NAXE):c.856C>T (p.Arg286Cys)

Gene: NAXE (NAD(P)HX epimerase; plus strand). Cytogenetic location: 1q22.
Variant type: single nucleotide variant.
Coding change: c.856C>T on transcript NM_144772.3 (MANE Select); coding-DNA position 856, C replaced by T.
Protein change: p.Arg286Cys; replaces arginine 286 with cysteine.
Molecular consequence: missense variant.
Genome position (GRCh38, 1-based): chr1:156,594,073, C>T. VCF-style: chr1-156594073-C-T. GRCh37 (hg19) VCF-style: chr1-156563865-C-T.
Other names: short protein forms R286C.
Identifiers: ClinVar variation 2061940 (VCV002061940.4), dbSNP rs373876196, ClinGen allele CA1162940.

ClinVar aggregate classification (germline): Uncertain significance (1 of 4 stars; one submission).

Allele frequency attached by ClinVar (database versions not stated): gnomAD exomes 0.00002; gnomAD 0.00003; ESP Exome Variant Server 0.00008; TOPMed 0.00002; ExAC 0.00002.
gnomAD v4.1: 35 of 1,613,782 alleles (0.0022%); highest among the groups gnomAD compares: African/African-American, 0.0027%; no homozygotes.

Submission:

Labcorp Genetics (formerly Invitae), Labcorp
Classification: Uncertain significance. Last evaluated: 2024-02-24. Review status: criteria provided, single submitter. Criteria: Invitae Variant Classification Sherloc (09022015). Collection method: clinical testing. Allele origin: germline.
Comment: This sequence change replaces arginine, which is basic and polar, with cysteine, which is neutral and slightly polar, at codon 286 of the NAXE protein (p.Arg286Cys). This variant is present in population databases (rs373876196, gnomAD 0.004%). This variant has not been reported in the literature in individuals affected with NAXE-related conditions. ClinVar contains an entry for this variant (Variation ID: 2061940). An algorithm developed to predict the effect of missense changes on protein structure and function (PolyPhen-2) suggests that this variant is likely to be disruptive. In summary, the available evidence is currently insufficient to determine the role of this variant in disease. Therefore, it has been classified as a Variant of Uncertain Significance.